The following is an entry in ClinVar:

ClinVar aggregate classification (germline): Conflicting classifications of pathogenicity. Review status: criteria provided, conflicting classifications (1 of 4 stars). 2 submissions from 2 submitters: Likely pathogenic (1); Uncertain significance (1). Last evaluated 2026-02-04.

Conditions:
Congenital myasthenic syndrome 10. Also called: Myasthenia, limb-girdle, familial. Identifiers: Orphanet 590, MedGen C1850792, MONDO:0009690, OMIM 254300.
Fetal akinesia deformation sequence 1 (FADS1). Also called: Fetal akinesia sequence; Pena-Shokeir syndrome type I. Identifiers: Orphanet 994, MedGen C1276035, MONDO:0100101, OMIM 208150, HP:0001989.

Allele frequency attached by ClinVar (database versions not stated): gnomAD exomes below 0.00001; TOPMed below 0.00001; gnomAD 0.00001.
gnomAD v4.1: 3 of 1,610,738 alleles (0.00019%); highest among the groups gnomAD compares: Non-Finnish European, 0.00025%; no homozygotes.

Submissions (2):

Institute of Human Genetics, University of Leipzig Medical Center
Classification: Likely pathogenic for Congenital myasthenic syndrome 10. Last evaluated: 2026-02-04. Review status: criteria provided, single submitter. Criteria: ACMG Guidelines, 2015. Collection method: clinical testing. Allele origin: inherited. Inheritance: Autosomal recessive inheritance. Affected: yes.
Comment: Criteria applied: PM2,PM3,PM4

Labcorp Genetics (formerly Invitae), Labcorp
Classification: Uncertain significance for Congenital myasthenic syndrome 10; Fetal akinesia deformation sequence 1. Last evaluated: 2022-05-27. Review status: criteria provided, single submitter. Criteria: Invitae Variant Classification Sherloc (09022015). Collection method: clinical testing. Allele origin: germline.
Comment: In summary, the available evidence is currently insufficient to determine the role of this variant in disease. Therefore, it has been classified as a Variant of Uncertain Significance. Studies have shown that this protein extension alters DOK7 gene expression (PMID: 18626973). This protein extension has been observed in individual(s) with congenital myasthenic syndrome (PMID: 18626973). In at least one individual the data is consistent with being in trans (on the opposite chromosome) from a pathogenic variant. This variant is not present in population databases (gnomAD no frequency). This sequence change disrupts the translational stop signal of the DOK7 mRNA. It is expected to extend the length of the DOK7 protein by 182 additional amino acid residues.

Literature cited by the submitters: PubMed 18626973 (cited by Labcorp Genetics (formerly Invitae), Labcorp).

NM_173660.5(DOK7):c.1513T>C (p.Ter505Arg)

Gene: DOK7 (docking protein 7; plus strand). Cytogenetic location: 4p16.3.
Variant type: single nucleotide variant.
Coding change: c.1513T>C on transcript NM_173660.5 (MANE Select); coding-DNA position 1513, T replaced by C.
Protein change: p.Ter505Arg.
Molecular consequence: stop lost. On other transcripts: 3 prime UTR variant (1), intron variant (2).
Genome position (GRCh38, 1-based): chr4:3,493,499, T>C. VCF-style: chr4-3493499-T-C. GRCh37 (hg19) VCF-style: chr4-3495226-T-C.
Other names: c.*734T>C (NM_001164673.2); c.583T>C, p.Ter195Arg (NM_001256896.2); c.1497+16T>C (NM_001301071.2); c.1065+16T>C (NM_001363811.2).
Identifiers: ClinVar variation 1404577 (VCV001404577.7), dbSNP rs1189551686, ClinGen allele CA356118096.